The following is an entry in ClinVar:

ClinVar aggregate classification (germline): Pathogenic (1 of 4 stars; one submission).

Conditions:
Early-infantile DEE. Also called: Ohtahara syndrome; Early infantile epileptic encephalopathy with suppression bursts; Early infantile epileptic encephalopathy. Identifiers: Orphanet 1934, MedGen C0393706, MONDO:0800491.

Submission:

Labcorp Genetics (formerly Invitae), Labcorp
Classification: Pathogenic for Early-infantile DEE. Last evaluated: 2023-05-08. Review status: criteria provided, single submitter. Criteria: Invitae Variant Classification Sherloc (09022015). Collection method: clinical testing. Allele origin: germline.
Comment: For these reasons, this variant has been classified as Pathogenic. This variant disrupts the p.Gly1754 amino acid residue in SCN1A. Other variant(s) that disrupt this residue have been determined to be pathogenic (PMID: 22071555; Invitae). This suggests that this residue is clinically significant, and that variants that disrupt this residue are likely to be disease-causing. Advanced modeling of protein sequence and biophysical properties (such as structural, functional, and spatial information, amino acid conservation, physicochemical variation, residue mobility, and thermodynamic stability) performed at Invitae indicates that this missense variant is expected to disrupt SCN1A protein function. This missense change has been observed in individual(s) with clinical features of developmental and epileptic encephalopathy (external communication). In at least one individual the variant was observed to be de novo. This variant is not present in population databases (gnomAD no frequency). This sequence change replaces glycine, which is neutral and non-polar, with alanine, which is neutral and non-polar, at codon 1754 of the SCN1A protein (p.Gly1754Ala).

Literature cited by the submitters: PubMed 22071555.

NM_001165963.4(SCN1A):c.5261G>C (p.Gly1754Ala)

Genes: SCN1A (sodium voltage-gated channel alpha subunit 1; minus strand), LOC102724058 (uncharacterized LOC102724058; plus strand). Cytogenetic location: 2q24.3.
Variant type: single nucleotide variant.
Coding change: c.5261G>C on transcript NM_001165963.4 (MANE Select); coding-DNA position 5261, G replaced by C.
Protein change: p.Gly1754Ala; replaces glycine 1754 with alanine.
Molecular consequence: missense variant. On other transcripts: non-coding transcript variant (1).
Genome position (GRCh38, 1-based): chr2:165,992,014, C>G on the plus strand (G>C on the coding strand, the complement: SCN1A is on the minus strand). VCF-style: chr2-165992014-C-G. GRCh37 (hg19) VCF-style: chr2-166848524-C-G.
Other names: c.5177G>C, p.Gly1726Ala (NM_001165964.3, NM_001353957.2, NM_001353958.2); c.5261G>C, p.Gly1754Ala (NM_001202435.3, NM_001353948.2); c.5228G>C, p.Gly1743Ala (NM_001353949.2, NM_001353950.2, NM_001353951.2 and 2 more transcripts); c.5225G>C, p.Gly1742Ala (NM_001353954.2, NM_001353955.2); c.5174G>C, p.Gly1725Ala (NM_001353960.2); c.2819G>C, p.Gly940Ala (NM_001353961.2); short protein forms G1743A, G1754A, G1726A, G940A, G1725A, G1742A.
Identifiers: ClinVar variation 2862362 (VCV002862362.3), dbSNP rs796053036, ClinGen allele CA349068335.